The following is an entry in ClinVar:

ClinVar aggregate classification (germline): Uncertain significance (1 of 4 stars; one submission).

Conditions:
Pierpont syndrome (PRPTS). Identifiers: Orphanet 487825, MedGen C1865644, MONDO:0011213, OMIM 602342.

Allele frequency attached by ClinVar (database versions not stated): gnomAD exomes below 0.00001.
gnomAD v4.1: 1 of 1,605,008 alleles (0.000062%); highest among the groups gnomAD compares: Non-Finnish European, 0.000085%; no homozygotes.

Submission:

Labcorp Genetics (formerly Invitae), Labcorp
Classification: Uncertain significance for Pierpont syndrome. Last evaluated: 2022-11-29. Review status: criteria provided, single submitter. Criteria: Invitae Variant Classification Sherloc (09022015). Collection method: clinical testing. Allele origin: germline.
Comment: In summary, the available evidence is currently insufficient to determine the role of this variant in disease. Therefore, it has been classified as a Variant of Uncertain Significance. Algorithms developed to predict the effect of missense changes on protein structure and function are either unavailable or do not agree on the potential impact of this missense change (SIFT: "Tolerated"; PolyPhen-2: "Possibly Damaging"; Align-GVGD: "Class C0"). This variant has not been reported in the literature in individuals affected with TBL1XR1-related conditions. This variant is not present in population databases (gnomAD no frequency). This sequence change replaces leucine, which is neutral and non-polar, with valine, which is neutral and non-polar, at codon 81 of the TBL1XR1 protein (p.Leu81Val).

NM_024665.7(TBL1XR1):c.241C>G (p.Leu81Val)

Gene: TBL1XR1 (TBL1X/Y related 1; minus strand). Cytogenetic location: 3q26.32.
Variant type: single nucleotide variant.
Coding change: c.241C>G on transcript NM_024665.7 (MANE Select); coding-DNA position 241, C replaced by G.
Protein change: p.Leu81Val; replaces leucine 81 with valine.
Molecular consequence: missense variant. On other transcripts: 5 prime UTR variant (2).
Genome position (GRCh38, 1-based): chr3:177,051,690, G>C on the plus strand (C>G on the coding strand, the complement: TBL1XR1 is on the minus strand). VCF-style: chr3-177051690-G-C. GRCh37 (hg19) VCF-style: chr3-176769478-G-C.
Other names: c.241C>G, p.Leu81Val (NM_001321193.3, NM_001321194.3, NM_001374327.1 and 2 more transcripts); c.-21C>G (NM_001321195.3, NM_001374330.1); short protein forms L81V.
Identifiers: ClinVar variation 1721158 (VCV001721158.5), dbSNP rs1717111856, ClinGen allele CA355553432.
Genomic context (GRCh38, chr3:177,051,690, plus strand): 5'-CTCTATAAGCTTGTTGTCTTGTTTGTACTACATCAGGCATTACGGCATCTATCAGGGACA[G>C]AGACTCTATTGGTCGACCATCAAACAAGGTACCATCCTGGATTTGGAAAATTGTGAGAGA-3'
Protein context (NP_078941.2, residues 71-91): TLFDGRPIES[Leu81Val]SLIDAVMPDV